The following is an entry in ClinVar:

ClinVar aggregate classification (germline): Uncertain significance (1 of 4 stars; one submission).

Conditions:
Hereditary cancer-predisposing syndrome. Also called: Hereditary Cancer Syndrome; Hereditary neoplastic syndrome; Tumor predisposition; Neoplastic Syndromes, Hereditary. Identifiers: Orphanet 140162, MedGen C0027672, MeSH D009386, MONDO:0015356.
Cardiovascular phenotype. Identifiers: MedGen CN230736.

gnomAD v4.1: 10 of 1,613,596 alleles (0.00062%); highest among the groups gnomAD compares: Non-Finnish European, 0.00076%; no homozygotes.

Submission:

Ambry Genetics
Classification: Uncertain significance for Cardiovascular phenotype; Hereditary cancer-predisposing syndrome. Last evaluated: 2024-07-02. Review status: criteria provided, single submitter. Criteria: Ambry Variant Classification Scheme 2023. Collection method: clinical testing. Allele origin: germline.
Comment: The p.D432Y variant (also known as c.1294G>T), located in coding exon 12 of the LZTR1 gene, results from a G to T substitution at nucleotide position 1294. The aspartic acid at codon 432 is replaced by tyrosine, an amino acid with highly dissimilar properties. This amino acid position is conserved. In addition, this alteration is predicted to be deleterious by in silico analysis. Based on the available evidence, the clinical significance of this variant remains unclear.

NM_006767.4(LZTR1):c.1294G>T (p.Asp432Tyr)

Gene: LZTR1 (leucine zipper like post translational regulator 1; plus strand). Cytogenetic location: 22q11.21.
Variant type: single nucleotide variant.
Coding change: c.1294G>T on transcript NM_006767.4 (MANE Select); coding-DNA position 1294, G replaced by T.
Protein change: p.Asp432Tyr; replaces aspartic acid 432 with tyrosine.
Molecular consequence: missense variant.
Genome position (GRCh38, 1-based): chr22:20,993,695, G>T. VCF-style: chr22-20993695-G-T. GRCh37 (hg19) VCF-style: chr22-21347984-G-T.
Other names: short protein forms D432Y.
Identifiers: ClinVar variation 3541575 (VCV003541575.1).
Genomic context (GRCh38, chr22:20,993,695, plus strand): 5'-TCTAGTCTCACTGGGCCCCTCTTGCAGTTCTCCTGTTACCCTAAATGCACGCTGCACGAG[G>T]ACTACGGGCGGCTGTGGGAGAGCCGCCAGTTCTGCGACGTGGAGTTCGTGCTGGGTGAGG-3'
Protein context (NP_006758.2, residues 422-442): SCYPKCTLHE[Asp432Tyr]YGRLWESRQF